The following is an entry in ClinVar:

NM_000321.3(RB1):c.1678T>A (p.Ser560Thr)

Gene: RB1 (RB transcriptional corepressor 1; plus strand). Cytogenetic location: 13q14.2.
Variant type: single nucleotide variant.
Coding change: c.1678T>A on transcript NM_000321.3 (MANE Select); coding-DNA position 1678, T replaced by A.
Protein change: p.Ser560Thr; replaces serine 560 with threonine.
Molecular consequence: missense variant.
Genome position (GRCh38, 1-based): chr13:48,381,426, T>A. VCF-style: chr13-48381426-T-A. GRCh37 (hg19) VCF-style: chr13-48955562-T-A.
Other names: c.1678T>A, p.Ser560Thr (NM_001407165.1, NM_001407166.1); short protein forms S560T.
Identifiers: ClinVar variation 1777840 (VCV001777840.3), dbSNP rs1593457138, ClinGen allele CA388164037.

ClinVar aggregate classification (germline): Uncertain significance. Review status: criteria provided, multiple submitters, no conflicts (2 of 4 stars). 2 submissions from 2 submitters: Uncertain significance (2). Last evaluated 2023-08-15.

Conditions:
Hereditary cancer-predisposing syndrome. Also called: Neoplastic Syndromes, Hereditary; Tumor predisposition; Hereditary Cancer Syndrome; Hereditary neoplastic syndrome. Identifiers: Orphanet 140162, MedGen C0027672, MeSH D009386, MONDO:0015356.
Retinoblastoma (RB1). Also called: RETINOBLASTOMA, SOMATIC. Identifiers: Orphanet 790, MedGen C0035335, MeSH D012175, MONDO:0008380, OMIM 180200, HP:0009919. Disease mechanism: loss of function. Inheritance: Both sporadic and heritable forms are tested..

Submissions (2):

All of Us Research Program, National Institutes of Health
Classification: Uncertain significance for Retinoblastoma. Last evaluated: 2023-08-15. Review status: criteria provided, single submitter. Criteria: ACMG Guidelines, 2015. Collection method: clinical testing. Allele origin: germline. Inheritance: Autosomal dominant inheritance. Observed: 1 variant allele, 1 heterozygote.
Comment: This study involves interpretation of variants in research participants for the purpose of population health screening. Participant phenotype was not available at the time of variant classification. Additional details can be found in publication PMID: 35346344, PMCID: PMC8962531

Ambry Genetics
Classification: Uncertain significance for Hereditary cancer-predisposing syndrome. Last evaluated: 2021-12-02. Review status: criteria provided, single submitter. Criteria: Ambry Variant Classification Scheme 2023. Collection method: clinical testing. Allele origin: germline.
Comment: The p.S560T variant (also known as c.1678T>A), located in coding exon 17 of the RB1 gene, results from a T to A substitution at nucleotide position 1678. The serine at codon 560 is replaced by threonine, an amino acid with similar properties. This amino acid position is well conserved in available vertebrate species. In addition, the in silico prediction for this alteration is inconclusive. Since supporting evidence is limited at this time, the clinical significance of this alteration remains unclear.